The following is an entry in ClinVar:

ClinVar aggregate classification (germline): Likely benign. Review status: criteria provided, single submitter (1 of 4 stars). 2 submissions from 2 submitters: Likely benign (1). 1 of the submissions does not count toward it. Last evaluated 2025-11-19.

Conditions:
ACE-related disorder. Also called: ACE-related disorders; ACE-related condition.

Allele frequency attached by ClinVar (database versions not stated): gnomAD exomes 0.00004; gnomAD 0.00009; TOPMed 0.00019; ExAC 0.00021.
gnomAD v4.1: 75 of 1,613,842 alleles (0.0046%); highest among the groups gnomAD compares: East Asian, 0.13%; no homozygotes.

Submissions (2):

Labcorp Genetics (formerly Invitae), Labcorp
Classification: Likely benign. Last evaluated: 2025-11-19. Review status: criteria provided, single submitter. Criteria: Invitae Variant Classification Sherloc (09022015). Collection method: clinical testing. Allele origin: germline.

PreventionGenetics, part of Exact Sciences
Classification: Likely benign for ACE-related condition. Last evaluated: 2024-09-04. Review status: no assertion criteria provided. Collection method: clinical testing. Allele origin: germline. Not counted in ClinVar's aggregate classification.
Comment: This variant is classified as likely benign based on ACMG/AMP sequence variant interpretation guidelines (Richards et al. 2015 PMID: 25741868, with internal and published modifications).

NM_000789.4(ACE):c.2005G>A (p.Glu669Lys)

Gene: ACE (angiotensin I converting enzyme; plus strand). Cytogenetic location: 17q23.3.
Variant type: single nucleotide variant.
Coding change: c.2005G>A on transcript NM_000789.4 (MANE Select); coding-DNA position 2005, G replaced by A.
Protein change: p.Glu669Lys; replaces glutamic acid 669 with lysine.
Molecular consequence: missense variant. On other transcripts: 5 prime UTR variant (1), non-coding transcript variant (1).
Genome position (GRCh38, 1-based): chr17:63,485,319, G>A. VCF-style: chr17-63485319-G-A. GRCh37 (hg19) VCF-style: chr17-61562680-G-A.
Other names: c.2005G>A (NM_000789.3); c.283G>A, p.Glu95Lys (NM_001178057.2, NM_152830.3); c.1438G>A, p.Glu480Lys (NM_001382700.1); c.1153G>A, p.Glu385Lys (NM_001382701.1); c.-66G>A (NM_001382702.1); short protein forms E385K, E480K, E95K, E669K.
Identifiers: ClinVar variation 2901016 (VCV002901016.4), dbSNP rs769228405, ClinGen allele CA8699851.